The following is an entry in ClinVar:

NM_000059.4(BRCA2):c.3269T>C (p.Met1090Thr)

Gene: BRCA2 (BRCA2 DNA repair associated; plus strand). Cytogenetic location: 13q13.1.
Variant type: single nucleotide variant.
Coding change: c.3269T>C on transcript NM_000059.4 (MANE Select); coding-DNA position 3269, T replaced by C.
Protein change: p.Met1090Thr; replaces methionine 1090 with threonine.
Molecular consequence: missense variant. On other transcripts: non-coding transcript variant (1), intron variant (2).
Genome position (GRCh38, 1-based): chr13:32,337,624, T>C. VCF-style: chr13-32337624-T-C. GRCh37 (hg19) VCF-style: chr13-32911761-T-C.
Other names: c.3269T>C, p.Met1090Thr (NM_001406719.1, NM_001406720.1); c.1909+4237T>C (NM_001406721.1); c.424+6594T>C (NM_001406722.1); short protein forms M1090T.
Identifiers: ClinVar variation 2565959 (VCV002565959.2), dbSNP rs2137494922, ClinGen allele CA387776043.
Genomic context (GRCh38, chr13:32,337,624, plus strand): 5'-CACATTTACAGAGTAGTGTAGTTGTTTCTGATTGTAAAAATAGTCATATAACCCCTCAGA[T>C]GTTATTTTCCAAGCAGGATTTTAATTCAAACCATAATTTAACACCTAGCCAAAAGGCAGA-3'
Protein context (NP_000050.3, residues 1080-1100): DCKNSHITPQ[Met1090Thr]LFSKQDFNSN

ClinVar aggregate classification (germline): Uncertain significance (1 of 4 stars; one submission).

Conditions:
Hereditary cancer-predisposing syndrome. Also called: Neoplastic Syndromes, Hereditary; Hereditary Cancer Syndrome; Hereditary neoplastic syndrome; Tumor predisposition. Identifiers: Orphanet 140162, MedGen C0027672, MeSH D009386, MONDO:0015356.

Submission:

Ambry Genetics
Classification: Uncertain significance for Hereditary cancer-predisposing syndrome. Last evaluated: 2023-03-17. Review status: criteria provided, single submitter. Criteria: Ambry Variant Classification Scheme 2023. Collection method: clinical testing. Allele origin: germline.
Comment: The p.M1090T variant (also known as c.3269T>C), located in coding exon 10 of the BRCA2 gene, results from a T to C substitution at nucleotide position 3269. The methionine at codon 1090 is replaced by threonine, an amino acid with similar properties. This amino acid position is poorly conserved in available vertebrate species. In addition, this alteration is predicted to be tolerated by in silico analysis. Since supporting evidence is limited at this time, the clinical significance of this alteration remains unclear.